The following is an entry in ClinVar:

NM_001486.4(GCKR):c.1061G>T (p.Gly354Val)

Gene: GCKR (glucokinase regulator; plus strand). Cytogenetic location: 2p23.3.
Variant type: single nucleotide variant.
Coding change: c.1061G>T on transcript NM_001486.4 (MANE Select); coding-DNA position 1061, G replaced by T.
Protein change: p.Gly354Val; replaces glycine 354 with valine.
Molecular consequence: missense variant.
Genome position (GRCh38, 1-based): chr2:27,506,880, G>T. VCF-style: chr2-27506880-G-T. GRCh37 (hg19) VCF-style: chr2-27729747-G-T.
Other names: short protein forms G354V.
Identifiers: ClinVar variation 1311136 (VCV001311136.3), dbSNP rs376157442, ClinGen allele CA44542030.

ClinVar aggregate classification (germline): Uncertain significance. Review status: criteria provided, multiple submitters, no conflicts (2 of 4 stars). 2 submissions from 2 submitters: Uncertain significance (2). Last evaluated 2025-10-17.

Allele frequency attached by ClinVar (database versions not stated): gnomAD 0.00001; TOPMed 0.00001; ESP Exome Variant Server 0.00008.
gnomAD v4.1: 21 of 1,594,208 alleles (0.0013%); highest among the groups gnomAD compares: Non-Finnish European, 0.0017%; no homozygotes.

Submissions (2):

Labcorp Genetics (formerly Invitae), Labcorp
Classification: Uncertain significance. Last evaluated: 2025-10-17. Review status: criteria provided, single submitter. Criteria: Invitae Variant Classification Sherloc (09022015). Collection method: clinical testing. Allele origin: germline.
Comment: This sequence change replaces glycine, which is neutral and non-polar, with valine, which is neutral and non-polar, at codon 354 of the GCKR protein (p.Gly354Val). This variant is present in population databases (rs376157442, gnomAD 0.004%). This variant has not been reported in the literature in individuals affected with GCKR-related conditions. ClinVar contains an entry for this variant (Variation ID: 1311136). Invitae Evidence Modeling of protein sequence and biophysical properties (such as structural, functional, and spatial information, amino acid conservation, physicochemical variation, residue mobility, and thermodynamic stability) indicates that this missense variant is expected to disrupt GCKR protein function with a positive predictive value of 80%. In summary, the available evidence is currently insufficient to determine the role of this variant in disease. Therefore, it has been classified as a Variant of Uncertain Significance.

GeneDx
Classification: Uncertain significance. Last evaluated: 2019-08-30. Review status: criteria provided, single submitter. Criteria: GeneDx Variant Classification Process June 2021. Collection method: clinical testing. Allele origin: germline. Affected: yes.
Comment: Has not been previously published as pathogenic or benign to our knowledge; Not observed at a significant frequency in large population cohorts (Lek et al., 2016); In silico analysis, which includes protein predictors and evolutionary conservation, supports a deleterious effect